The following is an entry in ClinVar:

ClinVar aggregate classification (germline): Uncertain significance (1 of 4 stars; one submission).

Conditions:
X-linked severe congenital neutropenia (SCNX). Identifiers: Orphanet 86788, MedGen C1845987, MONDO:0010294, OMIM 300299.
Thrombocytopenia 1. Also called: THROMBOCYTOPENIA, X-LINKED, 1; X-linked thrombocytopenia with normal platelets; X-Linked Thrombocytopenia (XLT). Identifiers: Orphanet 268322, Orphanet 852, MedGen C1839163, MONDO:0010743, OMIM 313900.
Wiskott-Aldrich syndrome (WAS). Also called: ALDRICH SYNDROME; IMMUNODEFICIENCY 2; Wiskott-aldrich syndrome, somatic; WISKOTT-ALDRICH SYNDROME 1. Identifiers: Orphanet 906, MedGen C0043194, MONDO:0010518, OMIM 301000.

gnomAD v4.1: 3 of 1,186,345 alleles (0.00025%); highest among the groups gnomAD compares: Admixed American, 0.0024%; no homozygotes.

Submission:

Labcorp Genetics (formerly Invitae), Labcorp
Classification: Uncertain significance for Wiskott-Aldrich syndrome; X-linked severe congenital neutropenia; Thrombocytopenia 1. Last evaluated: 2024-06-13. Review status: criteria provided, single submitter. Criteria: Invitae Variant Classification Sherloc (09022015). Collection method: clinical testing. Allele origin: germline.
Comment: This sequence change replaces valine, which is neutral and non-polar, with methionine, which is neutral and non-polar, at codon 141 of the WAS protein (p.Val141Met). The frequency data for this variant in the population databases is considered unreliable, as metrics indicate poor data quality at this position in the gnomAD database. This variant has not been reported in the literature in individuals affected with WAS-related conditions. Advanced modeling of protein sequence and biophysical properties (such as structural, functional, and spatial information, amino acid conservation, physicochemical variation, residue mobility, and thermodynamic stability) has been performed at Invitae for this missense variant, however the output from this modeling did not meet the statistical confidence thresholds required to predict the impact of this variant on WAS protein function. In summary, the available evidence is currently insufficient to determine the role of this variant in disease. Therefore, it has been classified as a Variant of Uncertain Significance.

NM_000377.3(WAS):c.421G>A (p.Val141Met)

Gene: WAS (WASP actin nucleation promoting factor; plus strand). Cytogenetic location: Xp11.23.
Variant type: single nucleotide variant.
Coding change: c.421G>A on transcript NM_000377.3 (MANE Select); coding-DNA position 421, G replaced by A.
Protein change: p.Val141Met; replaces valine 141 with methionine.
Molecular consequence: missense variant.
Genome position (GRCh38, 1-based): chrX:48,685,794, G>A. VCF-style: chrX-48685794-G-A. GRCh37 (hg19) VCF-style: chrX-48544183-G-A.
Other names: short protein forms V141M.
Identifiers: ClinVar variation 3762991 (VCV003762991.2).